The following is an entry in ClinVar:

ClinVar aggregate classification (germline): Uncertain significance (1 of 4 stars; one submission).

Conditions:
Arrhythmogenic right ventricular dysplasia 9 (ARVD9). Also called: Arrhythmogenic Right Ventricular Dysplasia/Cardiomyopathy 9; ARRHYTHMOGENIC RIGHT VENTRICULAR DYSPLASIA, FAMILIAL, 9. Identifiers: MedGen C1836906, MONDO:0012180, OMIM 609040.

gnomAD v4.1: 1 of 1,590,898 alleles (0.000063%); highest among the groups gnomAD compares: Non-Finnish European, 0.000085%; no homozygotes.

Submission:

Labcorp Genetics (formerly Invitae), Labcorp
Classification: Uncertain significance for Arrhythmogenic right ventricular dysplasia 9. Last evaluated: 2023-02-06. Review status: criteria provided, single submitter. Criteria: Invitae Variant Classification Sherloc (09022015). Collection method: clinical testing. Allele origin: germline.
Comment: This sequence change replaces lysine, which is basic and polar, with asparagine, which is neutral and polar, at codon 52 of the PKP2 protein (p.Lys52Asn). This variant is not present in population databases (gnomAD no frequency). This variant has not been reported in the literature in individuals affected with PKP2-related conditions. ClinVar contains an entry for this variant (Variation ID: 464413). Algorithms developed to predict the effect of missense changes on protein structure and function are either unavailable or do not agree on the potential impact of this missense change (SIFT: "Tolerated"; PolyPhen-2: "Probably Damaging"; Align-GVGD: "Class C0"). In summary, the available evidence is currently insufficient to determine the role of this variant in disease. Therefore, it has been classified as a Variant of Uncertain Significance.

NM_001005242.3(PKP2):c.156G>C (p.Lys52Asn)

Gene: PKP2 (plakophilin 2; minus strand). Cytogenetic location: 12p11.21.
Variant type: single nucleotide variant.
Coding change: c.156G>C on transcript NM_001005242.3 (MANE Select); coding-DNA position 156, G replaced by C.
Protein change: p.Lys52Asn; replaces lysine 52 with asparagine.
Molecular consequence: missense variant.
Genome position (GRCh38, 1-based): chr12:32,896,576, C>G on the plus strand (G>C on the coding strand, the complement: PKP2 is on the minus strand). VCF-style: chr12-32896576-C-G. GRCh37 (hg19) VCF-style: chr12-33049510-C-G.
Other names: c.156G>C, p.Lys52Asn (NM_004572.4); short protein forms K52N.
Identifiers: ClinVar variation 464413 (VCV000464413.6), dbSNP rs201210997, ClinGen allele CA384371010.
Genomic context (GRCh38, chr12:32,896,576, plus strand): 5'-CACGGAGCTGCGGCCCTTCCGGGCGAGGGTCTGCTGCACCTGCTCCTGGATCCGCAGGCT[C>G]TTGACTGTCTGGCCGCCGCGGCCGCTGCTCCCCGCCAGCTTCAGCTTGGCCTCGGAGGGC-3'
Protein context (NP_001005242.2, residues 42-62): GSSGRGGQTV[Lys52Asn]SLRIQEQVQQ